The following is an entry in ClinVar:

ClinVar aggregate classification (germline): Uncertain significance (1 of 4 stars; one submission).

Conditions:
PLXNA2-related disorder. Also called: PLXNA2-related condition.

Submission:

PreventionGenetics, part of Exact Sciences
Classification: Uncertain significance for PLXNA2-related condition. Last evaluated: 2026-08-17. Review status: criteria provided, single submitter. Criteria: ACMG Guidelines, 2015. Collection method: clinical testing. Allele origin: germline.
Comment: The PLXNA2 c.176C>T variant is predicted to result in the amino acid substitution p.Thr59Met. To our knowledge, this variant has not been reported in the literature. This variant is reported in 0.020% of alleles in individuals of East Asian descent in gnomAD. At this time, the clinical significance of this variant is uncertain due to the absence of conclusive functional and genetic evidence.

NM_025179.4(PLXNA2):c.176C>T (p.Thr59Met)

Gene: PLXNA2 (plexin A2; minus strand). Cytogenetic location: 1q32.2.
Variant type: single nucleotide variant.
Coding change: c.176C>T on transcript NM_025179.4 (MANE Select); coding-DNA position 176, C replaced by T.
Protein change: p.Thr59Met; replaces threonine 59 with methionine.
Molecular consequence: missense variant.
Genome position (GRCh38, 1-based): chr1:208,217,747, G>A on the plus strand (C>T on the coding strand, the complement: PLXNA2 is on the minus strand). VCF-style: chr1-208217747-G-A. GRCh37 (hg19) VCF-style: chr1-208391092-G-A.
Other names: short protein forms T59M.
Identifiers: ClinVar variation 4979211 (VCV004979211.1).
Genomic context (GRCh38, chr1:208,217,747, plus strand): 5'-ATGGTCAGGTTGCCTGTCAGCTTATAGACCCGGTTGATGGCCCCCACATAGACGGCCCCC[G>A]TCCCTTGGTGGACGGTCAAGTGGTTGAAGGTCCAGTCACGATTCTCAGAGTGGAAGGTGC-3'
Protein context (NP_079455.3, residues 49-69): TFNHLTVHQG[Thr59Met]GAVYVGAINR